The following is an entry in ClinVar:

ClinVar aggregate classification (germline): Pathogenic. Review status: criteria provided, multiple submitters, no conflicts (2 of 4 stars). 9 submissions from 9 submitters: Pathogenic (9). Last evaluated 2026-01-20.

Conditions:
Autosomal recessive CEP290-related disorders.
Leber congenital amaurosis 10 (LCA10). Identifiers: Orphanet 65, MedGen C1857821, MONDO:0012723, OMIM 611755.
Joubert syndrome 5 (JBTS5). Identifiers: Orphanet 2318, MedGen C1857780, MONDO:0012432, OMIM 610188.
Meckel syndrome, type 4 (MKS4). Also called: MECKEL-GRUBER SYNDROME, TYPE 4. Identifiers: Orphanet 564, MedGen C1970161, MONDO:0012626, OMIM 611134.
Senior-Loken syndrome 6 (SLSN6). Identifiers: Orphanet 3156, MedGen C1857779, MONDO:0012433, OMIM 610189.
Bardet-Biedl syndrome 14 (BBS14). Identifiers: Orphanet 110, MedGen C2673874, MONDO:0014442, OMIM 615991.
Nephronophthisis. Also called: Juvenile Nephronophthisis. Identifiers: Orphanet 655, MedGen C0687120, MONDO:0019005, HP:0000090.
Joubert syndrome. Also called: JOUBERT-BOLTSHAUSER SYNDROME; Familial aplasia of the vermis. Identifiers: Orphanet 475, MedGen C5979921, MONDO:0018772.
Meckel-Gruber syndrome. Also called: GRUBER SYNDROME; Dysencephalia splachnocystica; DYSENCEPHALIA SPLANCHNOCYSTICA. Identifiers: Orphanet 564, MedGen C0265215, MONDO:0018921.
Leber congenital amaurosis (LCA). Also called: Leber's amaurosis. Identifiers: Orphanet 65, MedGen C0339527, MeSH D057130, MONDO:0018998.
Retinal disorder. Also called: Retinopathy; Retinal disorders; Retinopathies; Retinal Diseases. Identifiers: MedGen C0035309, MONDO:0005283, HP:0000488.

Allele frequency attached by ClinVar (database versions not stated): TOPMed below 0.00001; gnomAD exomes 0.00002.
gnomAD v4.1: 21 of 1,612,684 alleles (0.0013%); highest among the groups gnomAD compares: Non-Finnish European, 0.0017%; no homozygotes.

Submissions (9):

Genetics Laboratory, Great Ormond Street Hospital NHS Foundation Trust, North Thames Genomic Laboratory Hub
Classification: Pathogenic for Retinal disorders. Last evaluated: 2026-01-20. Review status: criteria provided, single submitter. Criteria: ACGS Best Practice Guidelines for Variant Classification in Rare Disease 2024 v1.2. Collection method: clinical testing. Allele origin: germline. Affected: yes.
Comment: PM2_moderate, PVS1_very-strong

Natera, Inc.
Classification: Pathogenic for Leber congenital amaurosis. Last evaluated: 2025-11-07. Review status: criteria provided, single submitter. Criteria: Natera Variant Classification Schema (03/2026). Collection method: clinical testing. Allele origin: germline.
Comment: The c.1623+1G>A variant in CEP290 is a canonical splice donor site variant predicted to affect pre-mRNA splicing, which may result in an abnormal transcript and altered protein product. This variant is expected to result in nonsense mediated decay, truncation, or a dysfunctional protein product. This variant is rare in the general population with a frequency below the threshold expected for the associated phenotype(s). This variant has been observed in one or more individuals affected with the associated recessive disease, as either homozygous or compound heterozygous with a second variant (PMID: 26092869). Given the available evidence, this variant is classified as Pathogenic.

Genomic Medicine Center of Excellence, King Faisal Specialist Hospital and Research Centre
Classification: Pathogenic for Leber congenital amaurosis 10. Last evaluated: 2025-09-10. Review status: criteria provided, single submitter. Criteria: ACMG Guidelines, 2015. Collection method: clinical testing. Allele origin: germline.

Labcorp Genetics (formerly Invitae), Labcorp
Classification: Pathogenic for Joubert syndrome; Meckel-Gruber syndrome; Nephronophthisis. Last evaluated: 2025-06-06. Review status: criteria provided, single submitter. Criteria: Invitae Variant Classification Sherloc (09022015). Collection method: clinical testing. Allele origin: germline.
Comment: This sequence change affects a donor splice site in intron 16 of the CEP290 gene. It is expected to disrupt RNA splicing. Variants that disrupt the donor or acceptor splice site typically lead to a loss of protein function (PMID: 16199547), and loss-of-function variants in CEP290 are known to be pathogenic (PMID: 16909394, 17345604, 20690115). This variant is not present in population databases (gnomAD no frequency). Disruption of this splice site has been observed in individual(s) with Joubert syndrome (PMID: 26092869). ClinVar contains an entry for this variant (Variation ID: 217631). Algorithms developed to predict the effect of sequence changes on RNA splicing suggest that this variant may disrupt the consensus splice site. For these reasons, this variant has been classified as Pathogenic.

Variantyx, Inc.
Classification: Pathogenic for Autosomal recessive CEP290-related disorders. Last evaluated: 2025-04-19. Review status: criteria provided, single submitter. Criteria: Variantyx Assertion Criteria 2022. Collection method: clinical testing. Allele origin: germline. Inheritance: Autosomal recessive inheritance. Affected: yes.
Comment: This is a canonical splicing variant in the CEP290 gene (OMIM: 610142). Pathogenic variants in this gene have been associated with autosomal recessive CEP290-related disorders. This splicing variant is expected to result in loss of function, which is a known disease mechanism for CEP290 in these disorders (PMID: 27336129, 20690115) (PVS1). It has a 0.0030% maximum allele frequency in non-founder control populations (PM2). Based on the current evidence, this variant is classified as pathogenic for autosomal recessive CEP290-related disorders.

Fulgent Genetics
Classification: Pathogenic for Joubert syndrome 5; Senior-Loken syndrome 6; Meckel syndrome, type 4; Leber congenital amaurosis 10; Bardet-Biedl syndrome 14. Last evaluated: 2024-06-14. Review status: criteria provided, single submitter. Criteria: ACMG Guidelines, 2015. Collection method: clinical testing. Allele origin: germline.

Baylor Genetics
Classification: Pathogenic for Bardet-Biedl syndrome 14. Last evaluated: 2024-02-17. Review status: criteria provided, single submitter. Criteria: ACMG Guidelines, 2015. Collection method: clinical testing. Allele origin: unknown.

3billion
Classification: Pathogenic for Meckel syndrome, type 4. Last evaluated: 2022-01-03. Review status: criteria provided, single submitter. Criteria: ACMG Guidelines, 2015. Collection method: clinical testing. Allele origin: germline. Affected: yes. Observed: 1 homozygote.
Comment: Canonical splice site: predicted to alter splicing and result in a loss or disruption of normal protein function through protein truncation. Multiple pathogenic variants are reported in the predicted truncated region (PVS1_VS).The variant has been reported at least twice as pathogenic/likely pathogenic with clinical assertions and evidence for the classification (ClinVar ID: VCV000217631).It is not observed in the gnomAD v2.1.1 dataset (PM2_M). The variant has been reported to be in trans as homozygous in at least one similarly affected unrelated individual (3billion dataset, PM3_P). Therefore, this variant is classified as pathogenic according to the recommendation of ACMG/AMP guideline.

UW Hindbrain Malformation Research Program, University of Washington
Classification: Pathogenic for Joubert syndrome 5. Last evaluated: 2015-02-23. Review status: criteria provided, single submitter. Criteria: Bachmann-Gagescu et al. (J Med Genet. 2015). Collection method: research. Allele origin: unknown. Affected: yes.

Literature cited by the submitters: PubMed 26092869 (cited by 3 submitters); PubMed 16199547 (cited by Labcorp Genetics (formerly Invitae), Labcorp); PubMed 16909394 (cited by Labcorp Genetics (formerly Invitae), Labcorp); PubMed 17345604 (cited by Labcorp Genetics (formerly Invitae), Labcorp); PubMed 20690115 (cited by Labcorp Genetics (formerly Invitae), Labcorp and Variantyx, Inc.); PubMed 27336129 (cited by Variantyx, Inc.); PubMed 36819107 (cited by Variantyx, Inc.); PubMed 38219857 (cited by Variantyx, Inc.).

NM_025114.4(CEP290):c.1623+1G>A

Gene: CEP290 (centrosomal protein 290; minus strand). Cytogenetic location: 12q21.32.
Variant type: single nucleotide variant.
Coding change: c.1623+1G>A on transcript NM_025114.4 (MANE Select); the canonical splice donor site of the intron after coding-DNA position 1623, G replaced by A.
Molecular consequence: splice donor variant.
Genome position (GRCh38, 1-based): chr12:88,118,642, C>T on the plus strand (G>A on the coding strand, the complement: CEP290 is on the minus strand). VCF-style: chr12-88118642-C-T. GRCh37 (hg19) VCF-style: chr12-88512419-C-T.
Identifiers: ClinVar variation 217631 (VCV000217631.16), dbSNP rs863225186, ClinGen allele CA279529.